The following is an entry in ClinVar:

NM_003680.4(YARS1):c.1016C>T (p.Ala339Val)

Gene: YARS1 (tyrosyl-tRNA synthetase 1; minus strand). Cytogenetic location: 1p35.1.
Variant type: single nucleotide variant.
Coding change: c.1016C>T on transcript NM_003680.4 (MANE Select); coding-DNA position 1016, C replaced by T.
Protein change: p.Ala339Val; replaces alanine 339 with valine.
Molecular consequence: missense variant.
Genome position (GRCh38, 1-based): chr1:32,782,430, G>A on the plus strand (C>T on the coding strand, the complement: YARS1 is on the minus strand). VCF-style: chr1-32782430-G-A. GRCh37 (hg19) VCF-style: chr1-33248031-G-A.
Other names: short protein forms A339V.
Identifiers: ClinVar variation 423363 (VCV000423363.2), dbSNP rs145320247, ClinGen allele CA745027.

ClinVar aggregate classification (germline): Uncertain significance (1 of 4 stars; one submission).

Allele frequency attached by ClinVar (database versions not stated): gnomAD exomes below 0.00001 and 0.00001; ExAC 0.00001; ESP Exome Variant Server 0.00008.
gnomAD v4.1: 3 of 1,614,024 alleles (0.00019%); highest among the groups gnomAD compares: Non-Finnish European, 0.00025%; no homozygotes.

Submission:

GeneDx
Classification: Uncertain significance. Last evaluated: 2017-02-03. Review status: criteria provided, single submitter. Criteria: GeneDx Variant Classification (06012015). Collection method: clinical testing. Allele origin: germline. Affected: yes.
Comment: A variant of uncertain significance has been identified in the YARS gene. The A339V variant has not been published as a pathogenic variant, nor has it been reported as a benign variant to our knowledge. The A339V variant is not observed at a significant frequency in large population cohorts (Lek et al., 2016; 1000 Genomes Consortium et al., 2015; Exome Variant Server). This substitution occurs at a position that is conserved in mammals. However, the A339V variant is a conservative amino acid substitution, which is not likely to impact secondary protein structure as these residues share similar properties. In silico analysis is inconsistent in its predictions as to whether or not the variant is damaging to the protein structure/function. Therefore, based on the currently available information, it is unclear whether this variant is a pathogenic variant or a rare benign variant.